The following is an entry in ClinVar:

NM_033310.3(KCNK4):c.215G>T (p.Gly72Val)

Genes: KCNK4 (potassium two pore domain channel subfamily K member 4; plus strand), KCNK4-CATSPERZ (KCNK4-CATSPERZ readthrough (NMD candidate); plus strand). Cytogenetic location: 11q13.1.
Variant type: single nucleotide variant.
Coding change: c.215G>T on transcript NM_033310.3 (MANE Select); coding-DNA position 215, G replaced by T.
Protein change: p.Gly72Val; replaces glycine 72 with valine.
Molecular consequence: missense variant. On other transcripts: non-coding transcript variant (3).
Genome position (GRCh38, 1-based): chr11:64,296,903, G>T. VCF-style: chr11-64296903-G-T. GRCh37 (hg19) VCF-style: chr11-64064375-G-T.
Other names: c.215G>T, p.Gly72Val (NM_001317090.2, NM_033311.1); short protein forms G72V.
Identifiers: ClinVar variation 2800921 (VCV002800921.3), dbSNP rs758007595, ClinGen allele CA6072961.
Genomic context (GRCh38, chr11:64,296,903, plus strand): 5'-AACTGAAGCTCCTCCTTCTGCACCTTGTCCTGCAGGAGGTGGCTGATGCCCTGGGAGGGG[G>T]TGCGGACCCAGAAACCAACTCGACCAGCAACAGCAGCCACTCAGCCTGGGACCTGGGCAG-3'
Protein context (NP_201567.1, residues 62-82): IKEVADALGG[Gly72Val]ADPETNSTSN

ClinVar aggregate classification (germline): Uncertain significance (1 of 4 stars; one submission).

Allele frequency attached by ClinVar (database versions not stated): ExAC 0.00001.
gnomAD v4.1: 2 of 1,511,848 alleles (0.00013%); highest among the groups gnomAD compares: Non-Finnish European, 0.00018%; no homozygotes.

Submission:

Labcorp Genetics (formerly Invitae), Labcorp
Classification: Uncertain significance. Last evaluated: 2023-11-17. Review status: criteria provided, single submitter. Criteria: Invitae Variant Classification Sherloc (09022015). Collection method: clinical testing. Allele origin: germline.
Comment: This sequence change replaces glycine, which is neutral and non-polar, with valine, which is neutral and non-polar, at codon 72 of the KCNK4 protein (p.Gly72Val). This variant is present in population databases (rs758007595, gnomAD 0.001%). This variant has not been reported in the literature in individuals affected with KCNK4-related conditions. An algorithm developed to predict the effect of missense changes on protein structure and function (PolyPhen-2) suggests that this variant is likely to be disruptive. In summary, the available evidence is currently insufficient to determine the role of this variant in disease. Therefore, it has been classified as a Variant of Uncertain Significance.